The following is an entry in ClinVar:

NM_000282.4(PCCA):c.469-324C>T

Gene: PCCA (propionyl-CoA carboxylase subunit alpha; plus strand). Cytogenetic location: 13q32.3.
Variant type: single nucleotide variant.
Coding change: c.469-324C>T on transcript NM_000282.4 (MANE Select); 324 bases into the intron before coding-DNA position 469, C replaced by T.
Molecular consequence: intron variant.
Genome position (GRCh38, 1-based): chr13:100,209,008, C>T. VCF-style: chr13-100209008-C-T. GRCh37 (hg19) VCF-style: chr13-100861262-C-T.
Other names: c.469-324C>T (NM_001178004.2, NM_001352605.2, NM_001352606.2 and 1 more transcripts); c.-398-324C>T (NM_001352610.2, NM_001352611.2, NM_001352612.2); c.391-324C>T (NM_001127692.3, NM_001352607.2, NM_001352608.2).
Identifiers: ClinVar variation 669953 (VCV000669953.1), dbSNP rs17196604, ClinGen allele CA16479456.

ClinVar aggregate classification (germline): Benign (1 of 4 stars; one submission).

Allele frequency attached by ClinVar (database versions not stated): 1000 Genomes Project 0.11881; 1000 Genomes Project 30x 0.12071; TOPMed 0.15039; gnomAD 0.15490 and 0.15791.
gnomAD v4.1: 23,515 of 151,974 alleles (15%); highest among the groups gnomAD compares: Non-Finnish European, 17%; 1,948 homozygotes.

Submission:

GeneDx
Classification: Benign. Last evaluated: 2018-06-14. Review status: criteria provided, single submitter. Criteria: GeneDx Variant Classification (06012015). Collection method: clinical testing. Allele origin: germline. Affected: yes.
Comment: This variant is considered likely benign or benign based on one or more of the following criteria: it is a conservative change, it occurs at a poorly conserved position in the protein, it is predicted to be benign by multiple in silico algorithms, and/or has population frequency not consistent with disease.